The following is an entry in ClinVar:

NM_000256.3(MYBPC3):c.3490+3G>A

Gene: MYBPC3 (myosin binding protein C3; minus strand). Cytogenetic location: 11p11.2.
Variant type: single nucleotide variant.
Coding change: c.3490+3G>A on transcript NM_000256.3 (MANE Select); 3 bases into the intron after coding-DNA position 3490, G replaced by A.
Molecular consequence: intron variant.
Genome position (GRCh38, 1-based): chr11:47,332,811, C>T on the plus strand (G>A on the coding strand, the complement: MYBPC3 is on the minus strand). VCF-style: chr11-47332811-C-T. GRCh37 (hg19) VCF-style: chr11-47354362-C-T.
Identifiers: ClinVar variation 923071 (VCV000923071.5), dbSNP rs763653429, ClinGen allele CA054080.

ClinVar aggregate classification (germline): Conflicting classifications of pathogenicity. Review status: criteria provided, conflicting classifications (1 of 4 stars). 3 submissions from 3 submitters: Uncertain significance (1); Likely benign (1). 1 of the submissions does not count toward it. Last evaluated 2022-09-23.

Conditions:
MYBPC3-related disorder. Also called: MYBPC3-related condition; MYBPC3-related disease; MYBPC3-related disorders.
Cardiomyopathy (CMYO). Also called: Cardiomyopathies. Identifiers: Orphanet 167848, MedGen C0878544, MONDO:0004994, HP:0001638. Inheritance: Various modes of inheritance.
Hypertrophic cardiomyopathy. Also called: HYPERTROPHIC MYOCARDIOPATHY. Identifiers: Orphanet 217569, MedGen C0007194, MeSH D002312, MONDO:0005045, HP:0001639.

Allele frequency attached by ClinVar (database versions not stated): gnomAD exomes below 0.00001 and 0.00001; TOPMed below 0.00001; ExAC 0.00001.
gnomAD v4.1: 21 of 1,603,766 alleles (0.0013%); highest among the groups gnomAD compares: East Asian, 0.0022%; no homozygotes.

Submissions (3):

Labcorp Genetics (formerly Invitae), Labcorp
Classification: Uncertain significance for Hypertrophic cardiomyopathy. Last evaluated: 2022-09-23. Review status: criteria provided, single submitter. Criteria: Invitae Variant Classification Sherloc (09022015). Collection method: clinical testing. Allele origin: germline.
Comment: This sequence change falls in intron 31 of the MYBPC3 gene. It does not directly change the encoded amino acid sequence of the MYBPC3 protein. It affects a nucleotide within the consensus splice site. The frequency data for this variant in the population databases is considered unreliable, as metrics indicate poor data quality at this position in the gnomAD database. This variant has not been reported in the literature in individuals affected with MYBPC3-related conditions. ClinVar contains an entry for this variant (Variation ID: 923071). Variants that disrupt the consensus splice site are a relatively common cause of aberrant splicing (PMID: 17576681, 9536098). Algorithms developed to predict the effect of sequence changes on RNA splicing suggest that this variant is not likely to affect RNA splicing. In summary, the available evidence is currently insufficient to determine the role of this variant in disease. Therefore, it has been classified as a Variant of Uncertain Significance.

Color Diagnostics, LLC DBA Color Health
Classification: Likely benign for Cardiomyopathy. Last evaluated: 2018-12-31. Review status: criteria provided, single submitter. Criteria: ACMG Guidelines, 2015. Collection method: clinical testing. Allele origin: germline.

PreventionGenetics, part of Exact Sciences
Classification: Likely benign for MYBPC3-related condition. Last evaluated: 2020-09-22. Review status: no assertion criteria provided. Collection method: clinical testing. Allele origin: germline. Not counted in ClinVar's aggregate classification.
Comment: This variant is classified as likely benign based on ACMG/AMP sequence variant interpretation guidelines (Richards et al. 2015 PMID: 25741868, with internal and published modifications).

Literature cited by the submitters: PubMed 17576681 (cited by Labcorp Genetics (formerly Invitae), Labcorp); PubMed 9536098 (cited by Labcorp Genetics (formerly Invitae), Labcorp).